The following is an entry in ClinVar:

ClinVar aggregate classification (germline): Uncertain significance (1 of 4 stars; one submission).

Conditions:
Orofaciodigital syndrome I (OFD1). Also called: OFDS I; Papillon-Leage and Psaume Syndrome; Oral-Facial-Digital Syndrome Type I. Identifiers: Orphanet 2750, MedGen C1510460, MONDO:0010702, OMIM 311200.
Joubert syndrome. Also called: JOUBERT-BOLTSHAUSER SYNDROME; Familial aplasia of the vermis; CEREBELLOPARENCHYMAL DISORDER IV. Identifiers: Orphanet 475, MedGen C5979921, MONDO:0018772.

Submission:

Labcorp Genetics (formerly Invitae), Labcorp
Classification: Uncertain significance for Orofaciodigital syndrome I; Joubert syndrome. Last evaluated: 2016-10-06. Review status: criteria provided, single submitter. Criteria: Invitae Variant Classification Sherloc (09022015). Collection method: clinical testing. Allele origin: germline.
Comment: This sequence change replaces serine with cysteine at codon 1004 of the OFD1 protein (p.Ser1004Cys). The serine residue is moderately conserved and there is a moderate physicochemical difference between serine and cysteine. This variant is not present in population databases (ExAC no frequency) and has not been reported in the literature in individuals with a OFD1-related disease. Algorithms developed to predict the effect of missense changes on protein structure and function do not agree on the potential impact of this missense change (SIFT: "Deleterious"; PolyPhen-2: "Possibly Damaging"; Align-GVGD: "Class C0"). In summary, this variant is a novel missense change with uncertain impact on protein function. It has been classified as a Variant of Uncertain Significance.

NM_003611.3(OFD1):c.3011C>G (p.Ser1004Cys)

Gene: OFD1 (OFD1 centriole and centriolar satellite protein; plus strand). Cytogenetic location: Xp22.2.
Variant type: single nucleotide variant.
Coding change: c.3011C>G on transcript NM_003611.3 (MANE Select); coding-DNA position 3011, C replaced by G.
Protein change: p.Ser1004Cys; replaces serine 1004 with cysteine.
Molecular consequence: missense variant.
Genome position (GRCh38, 1-based): chrX:13,769,080, C>G. VCF-style: chrX-13769080-C-G. GRCh37 (hg19) VCF-style: chrX-13787199-C-G.
Other names: c.2891C>G, p.Ser964Cys (NM_001330209.2); c.2591C>G, p.Ser864Cys (NM_001330210.2); short protein forms S1004C, S864C, S964C.
Identifiers: ClinVar variation 404259 (VCV000404259.9), dbSNP rs1060500182, ClinGen allele CA16616621.